The following is an entry in ClinVar:

ClinVar aggregate classification (germline): Likely pathogenic. Review status: criteria provided, multiple submitters, no conflicts (2 of 4 stars). 2 submissions from 2 submitters: Likely pathogenic (2). Last evaluated 2026-04-14.

Conditions:
Low phospholipid associated cholelithiasis (GBD1). Also called: Gallstone cholecystitis; Gallbladder disease 1. Identifiers: Orphanet 69663, MedGen C2609268, MONDO:0010939, OMIM 600803.
Familial intrahepatic cholestasis. Identifiers: Orphanet 284385, MedGen CN296401, MONDO:0017290.

Submissions (2):

Genomenon, Inc
Classification: Likely pathogenic for Familial intrahepatic cholestasis; Low phospholipid associated cholelithiasis. Last evaluated: 2026-04-14. Review status: criteria provided, single submitter. Criteria: Genomenon Sequence Variant Interpretation Standards - Updated. Collection method: curation. Allele origin: germline. Affected: no.
Comment: ABCB4 c.80+1G>A is a canonical splice variant affecting the donor splice site of intron 2. It is predicted to affect mRNA splicing, leading to a deleterious effect on the ABCB4 protein. This variant has been reported in the published literature (PMID:38374565). It is absent or not present at a significant frequency in gnomAD. In conclusion, we classify ABCB4 c.80+1G>A as a likely pathogenic variant.

Labcorp Genetics (formerly Invitae), Labcorp
Classification: Likely pathogenic. Last evaluated: 2023-04-04. Review status: criteria provided, single submitter. Criteria: Invitae Variant Classification Sherloc (09022015). Collection method: clinical testing. Allele origin: germline.
Comment: This sequence change affects a donor splice site in intron 2 of the ABCB4 gene. It is expected to disrupt RNA splicing. Variants that disrupt the donor or acceptor splice site typically lead to a loss of protein function (PMID: 16199547), and loss-of-function variants in ABCB4 are known to be pathogenic (PMID: 17726488, 25755532). This variant is not present in population databases (gnomAD no frequency). This variant has not been reported in the literature in individuals affected with ABCB4-related conditions. Algorithms developed to predict the effect of sequence changes on RNA splicing suggest that this variant may disrupt the consensus splice site. In summary, the currently available evidence indicates that the variant is pathogenic, but additional data are needed to prove that conclusively. Therefore, this variant has been classified as Likely Pathogenic.

Literature cited by the submitters: PubMed 38374565 (cited by Genomenon, Inc); PubMed 16199547 (cited by Labcorp Genetics (formerly Invitae), Labcorp); PubMed 17726488 (cited by Labcorp Genetics (formerly Invitae), Labcorp); PubMed 25755532 (cited by Labcorp Genetics (formerly Invitae), Labcorp).

NM_000443.4(ABCB4):c.80+1G>A

Gene: ABCB4 (ATP binding cassette subfamily B member 4; minus strand). Cytogenetic location: 7q21.12.
Variant type: single nucleotide variant.
Coding change: c.80+1G>A on transcript NM_000443.4 (MANE Select); the canonical splice donor site of the intron after coding-DNA position 80, G replaced by A.
Molecular consequence: splice donor variant.
Genome position (GRCh38, 1-based): chr7:87,475,385, C>T on the plus strand (G>A on the coding strand, the complement: ABCB4 is on the minus strand). VCF-style: chr7-87475385-C-T. GRCh37 (hg19) VCF-style: chr7-87104701-C-T.
Other names: c.80+1G>A (NM_018850.3, NM_018849.3).
Identifiers: ClinVar variation 2835394 (VCV002835394.4), dbSNP rs2546911854, ClinGen allele CA368059574.